The following is an entry in ClinVar:

NM_001278512.2(AP3B2):c.333C>T (p.Ser111=)

Genes: AP3B2 (adaptor related protein complex 3 subunit beta 2; minus strand), CPEB1-AS1 (CPEB1 antisense RNA 1; plus strand). Cytogenetic location: 15q25.2.
Variant type: single nucleotide variant.
Coding change: c.333C>T on transcript NM_001278512.2 (MANE Select); coding-DNA position 333, C replaced by T.
Protein change: p.Ser111=; no amino-acid change (serine 111 retained).
Molecular consequence: synonymous variant. On other transcripts: intron variant (1).
Genome position (GRCh38, 1-based): chr15:82,688,763, G>A on the plus strand (C>T on the coding strand, the complement: AP3B2 is on the minus strand). VCF-style: chr15-82688763-G-A. GRCh37 (hg19) VCF-style: chr15-83357515-G-A.
Other names: c.333C>T, p.Ser111= (NM_001348440.2, NM_004644.5); c.264+395C>T (NM_001278511.2).
Identifiers: ClinVar variation 2418228 (VCV002418228.12), dbSNP rs1436458712, ClinGen allele CA491782348.

ClinVar aggregate classification (germline): Likely benign. Review status: criteria provided, multiple submitters, no conflicts (2 of 4 stars). 2 submissions from 2 submitters: Likely benign (2). Last evaluated 2025-12-01.

Allele frequency attached by ClinVar (database versions not stated): TOPMed below 0.00001; gnomAD 0.00001.
gnomAD v4.1: 1 of 1,612,832 alleles (0.000062%); highest among the groups gnomAD compares: Non-Finnish European, 0.000085%; no homozygotes.

Submissions (2):

CeGaT Center for Human Genetics Tuebingen
Classification: Likely benign. Last evaluated: 2025-12-01. Review status: criteria provided, single submitter. Criteria: CeGaT Center For Human Genetics Tuebingen Variant Classification Criteria Version 2. Collection method: clinical testing. Allele origin: germline. Affected: yes. Observed: 1 variant allele.
Comment: AP3B2: BP4, BP7

Labcorp Genetics (formerly Invitae), Labcorp
Classification: Likely benign. Last evaluated: 2022-09-25. Review status: criteria provided, single submitter. Criteria: Invitae Variant Classification Sherloc (09022015). Collection method: clinical testing. Allele origin: germline.